The following is an entry in ClinVar:

NM_001159699.2(FHL1):c.268C>T (p.Pro90Ser)

Gene: FHL1 (four and a half LIM domains 1; plus strand). Cytogenetic location: Xq26.3.
Variant type: single nucleotide variant.
Coding change: c.268C>T on transcript NM_001159699.2 (MANE Select); coding-DNA position 268, C replaced by T.
Protein change: p.Pro90Ser; replaces proline 90 with serine.
Molecular consequence: missense variant. On other transcripts: non-coding transcript variant (1).
Genome position (GRCh38, 1-based): chrX:136,207,079, C>T. VCF-style: chrX-136207079-C-T. GRCh37 (hg19) VCF-style: chrX-135289238-C-T.
Other names: c.220C>T, p.Pro74Ser (NM_001159700.2, NM_001159702.3, NM_001159703.2 and 9 more transcripts); c.307C>T, p.Pro103Ser (NM_001159701.2); c.268C>T, p.Pro90Ser (NM_001330659.2); short protein forms P103S, P90S, P74S.
Identifiers: ClinVar variation 1923729 (VCV001923729.4), dbSNP rs774990626, ClinGen allele CA414608025.
Genomic context (GRCh38, chrX:136,207,079, plus strand): 5'-GTGCACTATAAGAACCGCTTCTGGCATGACACCTGCTTCCGCTGTGCCAAGTGCCTTCAC[C>T]CCTTGGCCAATGAGACCTTTGTGGCCAAGGACAACAAGATCCTGTGCAACAAGTGCACCA-3'
Protein context (NP_001153171.1, residues 80-100): TCFRCAKCLH[Pro90Ser]LANETFVAKD

ClinVar aggregate classification (germline): Uncertain significance (1 of 4 stars; one submission).

Conditions:
X-linked myopathy with postural muscle atrophy. Also called: FHL1-Related Emery-Dreifuss Muscular Dystrophy, X-Linked. Identifiers: Orphanet 178461, MedGen C2678055, MONDO:0010401, OMIM 300696.

gnomAD v4.1: 5 of 1,211,801 alleles (0.00041%); highest among the groups gnomAD compares: South Asian, 0.0088%; no homozygotes.

Submission:

Labcorp Genetics (formerly Invitae), Labcorp
Classification: Uncertain significance for X-linked myopathy with postural muscle atrophy. Last evaluated: 2025-01-12. Review status: criteria provided, single submitter. Criteria: Invitae Variant Classification Sherloc (09022015). Collection method: clinical testing. Allele origin: germline.
Comment: This sequence change replaces proline, which is neutral and non-polar, with serine, which is neutral and polar, at codon 74 of the FHL1 protein (p.Pro74Ser). This variant is present in population databases (no rsID available, gnomAD 0.005%). This variant has not been reported in the literature in individuals affected with FHL1-related conditions. ClinVar contains an entry for this variant (Variation ID: 1923729). An algorithm developed to predict the effect of missense changes on protein structure and function outputs the following: PolyPhen-2: "Benign". The serine amino acid residue is found in multiple mammalian species, which suggests that this missense change does not adversely affect protein function. In summary, the available evidence is currently insufficient to determine the role of this variant in disease. Therefore, it has been classified as a Variant of Uncertain Significance.